The following is an entry in ClinVar:

NM_001368894.2(PAX6):c.201_204del (p.Ser68fs)

Gene: PAX6 (paired box 6; minus strand). Cytogenetic location: 11p13.
Variant type: Deletion.
Coding change: c.201_204del on transcript NM_001368894.2 (MANE Select); coding-DNA positions 201 to 204, 4 bases deleted (GAGT; older notation c.201_204delGAGT).
Protein change: p.Ser68fs; shifts the reading frame from serine 68.
Molecular consequence: frameshift variant. On other transcripts: 5 prime UTR variant (14), non-coding transcript variant (2), splice donor variant (8).
Genome position (GRCh38, 1-based): chr11:31,801,756-31,801,759, ACTC deleted on the plus strand (GAGT on the coding strand, the reverse complement: PAX6 is on the minus strand); deleting any 4 consecutive bases within chr11:31,801,756-31,801,761 gives the same sequence; the c. name uses the placement nearest the transcript's 3' end. VCF-style (leftmost placement, unchanged base first): chr11-31801755-TACTC-T. GRCh37 (hg19) VCF-style: chr11-31823303-TACTC-T.
Other names: c.159_162del, p.Ser54fs (NM_000280.6, NM_001127612.3, NM_001258464.2 and 10 more transcripts); c.201_204del, p.Ser68fs (NM_001258462.3, NM_001258463.2, NM_001368892.2 and 6 more transcripts); c.-250_-247del (NM_001310161.3, NM_001368929.2, NM_001368899.2 and 8 more transcripts); c.-581_-578del (NM_001310160.2, NM_001368902.2, NM_001368905.2); c.234_237del, p.Ser79fs (NM_001368920.2); c.198+3_198+6del (NM_001368921.2, NM_001368923.2, NM_001368926.2 and 4 more transcripts); c.156+3_156+6del (NM_001368928.2); c.402_405del, p.Ser135fs (NM_001368910.2); and 2 more; short protein forms S54fs, S68fs, S79fs, S135fs, S69fs, S93fs.
Identifiers: ClinVar variation 429755 (VCV000429755.3), dbSNP rs1131691570, ClinGen allele CA645369511.
Genomic context (GRCh38, chr11:31,801,755, plus strand): 5'-TACTACCACCGATTGCCCTGGGTCTGATGGAGCCAGTCTCGTAATACCTGCCCAGAATTT[TACTC>T]ACACATCCGTTGGACACCTGCATAGGGGAAGTGGACAGAAAACCACATTATTAATAATTT-3'

ClinVar aggregate classification (germline): Pathogenic (1 of 4 stars; one submission).

Submission:

GeneDx
Classification: Pathogenic. Last evaluated: 2015-09-16. Review status: criteria provided, single submitter. Criteria: GeneDx Variant Classification (06012015). Collection method: clinical testing. Allele origin: germline. Affected: yes.
Comment: The c.159_162delGAGT deletion in the PAX6 gene causes a frameshift starting with codon Serine 54, changes this amino acid to a Lysine residue and creates a premature Stop codon at position 24 of the new reading frame, denoted p.Ser54LysfsX24. This variant is predicted to cause loss of normal protein function either through protein truncation or nonsense-mediated mRNA decay. Although this deletion has not been previously reported to our knowledge, we consider it to be a pathogenic variant.